The following is an entry in ClinVar:

NM_001010870.3(TDRD6):c.1923T>G (p.Tyr641Ter)

Gene: TDRD6 (tudor domain containing 6; plus strand). Cytogenetic location: 6p12.3.
Variant type: single nucleotide variant.
Coding change: c.1923T>G on transcript NM_001010870.3 (MANE Select); coding-DNA position 1923, T replaced by G.
Protein change: p.Tyr641Ter; replaces tyrosine 641 with a stop codon.
Molecular consequence: nonsense.
Genome position (GRCh38, 1-based): chr6:46,690,051, T>G. VCF-style: chr6-46690051-T-G. GRCh37 (hg19) VCF-style: chr6-46657788-T-G.
Other names: c.1923T>G, p.Tyr641Ter (NM_001168359.2); short protein forms Y641*.
Identifiers: ClinVar variation 1676020 (VCV001676020.33), dbSNP rs770797850, ClinGen allele CA363914872.

ClinVar aggregate classification (germline): Uncertain significance (1 of 4 stars; one submission).

Submission:

CeGaT Center for Human Genetics Tuebingen
Classification: Uncertain significance. Last evaluated: 2022-03-01. Review status: criteria provided, single submitter. Criteria: CeGaT Center For Human Genetics Tuebingen Variant Classification Criteria Version 2. Collection method: clinical testing. Allele origin: germline. Affected: yes. Observed: 1 variant allele.
Comment: TDRD6: PM2